The following is an entry in ClinVar:

NM_000393.5(COL5A2):c.4172G>T (p.Arg1391Leu)

Gene: COL5A2 (collagen type V alpha 2 chain; minus strand). Cytogenetic location: 2q32.2.
Variant type: single nucleotide variant.
Coding change: c.4172G>T on transcript NM_000393.5 (MANE Select); coding-DNA position 4172, G replaced by T.
Protein change: p.Arg1391Leu; replaces arginine 1391 with leucine.
Molecular consequence: missense variant.
Genome position (GRCh38, 1-based): chr2:189,035,097, C>A on the plus strand (G>T on the coding strand, the complement: COL5A2 is on the minus strand). VCF-style: chr2-189035097-C-A. GRCh37 (hg19) VCF-style: chr2-189899823-C-A.
Other names: c.4172G>T (NM_000393.3); short protein forms R1391L.
Identifiers: ClinVar variation 1998219 (VCV001998219.5), dbSNP rs150931608, ClinGen allele CA349855180.
Genomic context (GRCh38, chr2:189,035,097, plus strand): 5'-TATCCTACACTGTTTTTACAGATGTAAGTGATGTTCTGGGAGGCTTCTTTTGATAAAAGG[C>A]GCAAAAAAGTCATCTGAGTAATGGCTGTATTAGGTGATTGGTGGTCTCCATAAGCGAACT-3'
Protein context (NP_000384.2, residues 1381-1401): NTAITQMTFL[Arg1391Leu]LLSKEASQNI

ClinVar aggregate classification (germline): Uncertain significance. Review status: criteria provided, multiple submitters, no conflicts (2 of 4 stars). 2 submissions from 2 submitters: Uncertain significance (2). Last evaluated 2023-01-03.

Conditions:
Ehlers-Danlos syndrome, classic type, 1 (EDSCL1). Also called: EHLERS-DANLOS SYNDROME, GRAVIS TYPE; EHLERS-DANLOS SYNDROME, SEVERE CLASSIC TYPE; Ehlers-Danlos syndrome, type 1; EDS I; Ehlers-Danlos Syndrome, Classic Type, COL5A1-Related. Identifiers: MedGen C0268335, MONDO:0019567, OMIM 130000.

gnomAD v4.1: 7 of 1,613,678 alleles (0.00043%); highest among the groups gnomAD compares: Non-Finnish European, 0.00059%; no homozygotes.

Submissions (2):

GeneDx
Classification: Uncertain significance. Last evaluated: 2023-01-03. Review status: criteria provided, single submitter. Criteria: GeneDx Variant Classification Process June 2021. Collection method: clinical testing. Allele origin: germline. Affected: yes.
Comment: Not observed at significant frequency in large population cohorts (gnomAD); In silico analysis supports that this missense variant has a deleterious effect on protein structure/function; In silico analysis suggests this variant may impact gene splicing. In the absence of RNA/functional studies, the actual effect of this sequence change is unknown.; Has not been previously published as pathogenic or benign to our knowledge

Labcorp Genetics (formerly Invitae), Labcorp
Classification: Uncertain significance for Ehlers-Danlos syndrome, classic type, 1. Last evaluated: 2022-07-23. Review status: criteria provided, single submitter. Criteria: Invitae Variant Classification Sherloc (09022015). Collection method: clinical testing. Allele origin: germline.
Comment: In summary, the available evidence is currently insufficient to determine the role of this variant in disease. Therefore, it has been classified as a Variant of Uncertain Significance. Algorithms developed to predict the effect of sequence changes on RNA splicing suggest that this variant may create or strengthen a splice site. Advanced modeling of protein sequence and biophysical properties (such as structural, functional, and spatial information, amino acid conservation, physicochemical variation, residue mobility, and thermodynamic stability) performed at Invitae indicates that this missense variant is not expected to disrupt COL5A2 protein function. This variant has not been reported in the literature in individuals affected with COL5A2-related conditions. This variant is not present in population databases (gnomAD no frequency). This sequence change replaces arginine, which is basic and polar, with leucine, which is neutral and non-polar, at codon 1391 of the COL5A2 protein (p.Arg1391Leu).